The following is an entry in ClinVar:

ClinVar aggregate classification (germline): Uncertain significance. Review status: criteria provided, multiple submitters, no conflicts (2 of 4 stars). 2 submissions from 2 submitters: Uncertain significance (2). Last evaluated 2025-06-11.

Allele frequency attached by ClinVar (database versions not stated): 1000 Genomes Project 0.00020; ESP Exome Variant Server 0.00008; gnomAD 0.00012; gnomAD exomes 0.00010 and 0.00006; ExAC 0.00007; TOPMed 0.00012; 1000 Genomes Project 30x 0.00016.
gnomAD v4.1: 156 of 1,591,380 alleles (0.0098%); highest among the groups gnomAD compares: African/African-American, 0.019%; no homozygotes.

Submissions (2):

GeneDx
Classification: Uncertain significance. Last evaluated: 2025-06-11. Review status: criteria provided, single submitter. Criteria: GeneDx Variant Classification Process June 2021. Collection method: clinical testing. Allele origin: germline. Affected: yes.
Comment: In silico analysis suggests that this missense variant does not alter protein structure/function; Has not been previously published as pathogenic or benign to our knowledge

Labcorp Genetics (formerly Invitae), Labcorp
Classification: Uncertain significance. Last evaluated: 2022-11-01. Review status: criteria provided, single submitter. Criteria: Invitae Variant Classification Sherloc (09022015). Collection method: clinical testing. Allele origin: germline.
Comment: This sequence change replaces methionine, which is neutral and non-polar, with threonine, which is neutral and polar, at codon 868 of the DMXL2 protein (p.Met868Thr). This variant is present in population databases (rs139597576, gnomAD 0.01%). This variant has not been reported in the literature in individuals affected with DMXL2-related conditions. ClinVar contains an entry for this variant (Variation ID: 1486401). Algorithms developed to predict the effect of missense changes on protein structure and function output the following: SIFT: "Tolerated"; PolyPhen-2: "Benign"; Align-GVGD: "Class C0". The threonine amino acid residue is found in multiple mammalian species, which suggests that this missense change does not adversely affect protein function. In summary, the available evidence is currently insufficient to determine the role of this variant in disease. Therefore, it has been classified as a Variant of Uncertain Significance.

NM_001378457.1(DMXL2):c.2603T>C (p.Met868Thr)

Gene: DMXL2 (Dmx like 2; minus strand). Cytogenetic location: 15q21.2.
Variant type: single nucleotide variant.
Coding change: c.2603T>C on transcript NM_001378457.1 (MANE Select); coding-DNA position 2603, T replaced by C.
Protein change: p.Met868Thr; replaces methionine 868 with threonine.
Molecular consequence: missense variant. On other transcripts: non-coding transcript variant (2).
Genome position (GRCh38, 1-based): chr15:51,514,483, A>G on the plus strand (T>C on the coding strand, the complement: DMXL2 is on the minus strand). VCF-style: chr15-51514483-A-G. GRCh37 (hg19) VCF-style: chr15-51806680-A-G.
Other names: c.2603T>C (NM_001174116.1); c.2603T>C, p.Met868Thr (NM_001174116.3, NM_001174117.3, NM_001378458.1 and 6 more transcripts); c.2363T>C, p.Met788Thr (NM_001378464.1); short protein forms M788T, M868T.
Identifiers: ClinVar variation 1486401 (VCV001486401.4), dbSNP rs139597576, ClinGen allele CA7562324.